The following is an entry in ClinVar:

NM_000138.5(FBN1):c.7529A>C (p.Lys2510Thr)

Gene: FBN1 (fibrillin 1; minus strand). Cytogenetic location: 15q21.1.
Variant type: single nucleotide variant.
Coding change: c.7529A>C on transcript NM_000138.5 (MANE Select); coding-DNA position 7529, A replaced by C.
Protein change: p.Lys2510Thr; replaces lysine 2510 with threonine.
Molecular consequence: missense variant.
Genome position (GRCh38, 1-based): chr15:48,421,993, T>G on the plus strand (A>C on the coding strand, the complement: FBN1 is on the minus strand). VCF-style: chr15-48421993-T-G. GRCh37 (hg19) VCF-style: chr15-48714190-T-G.
Other names: c.7529A>C, p.Lys2510Thr (NM_001406716.1); short protein forms K2510T.
Identifiers: ClinVar variation 3074721 (VCV003074721.3), dbSNP rs767602851, ClinGen allele CA392325915.

ClinVar aggregate classification (germline): Uncertain significance. Review status: criteria provided, multiple submitters, no conflicts (2 of 4 stars). 2 submissions from 2 submitters: Uncertain significance (2). Last evaluated 2024-07-01.

Conditions:
Marfan syndrome (MFS). Also called: MARFAN SYNDROME, TYPE I; Marfan syndrome type 1; Marfan's syndrome; Marfan syndrome, classic; FBN1-Related Marfan Syndrome. Identifiers: Orphanet 284963, Orphanet 558, MedGen C0024796, MONDO:0007947, OMIM 154700.
Familial thoracic aortic aneurysm and aortic dissection (TAAD). Also called: Thoracic aortic aneurysms and dissections. Identifiers: Orphanet 91387, MedGen C4707243, MONDO:0019625.

Submissions (2):

Labcorp Genetics (formerly Invitae), Labcorp
Classification: Uncertain significance for Marfan syndrome; Familial thoracic aortic aneurysm and aortic dissection. Last evaluated: 2024-07-01. Review status: criteria provided, single submitter. Criteria: Invitae Variant Classification Sherloc (09022015). Collection method: clinical testing. Allele origin: germline.
Comment: This sequence change replaces lysine, which is basic and polar, with threonine, which is neutral and polar, at codon 2510 of the FBN1 protein (p.Lys2510Thr). This variant is not present in population databases (gnomAD no frequency). This missense change has been observed in individual(s) with clinical features of FBN1-related conditions (Invitae). Advanced modeling of protein sequence and biophysical properties (such as structural, functional, and spatial information, amino acid conservation, physicochemical variation, residue mobility, and thermodynamic stability) performed at Invitae indicates that this missense variant is expected to disrupt FBN1 protein function with a positive predictive value of 95%. In summary, the available evidence is currently insufficient to determine the role of this variant in disease. Therefore, it has been classified as a Variant of Uncertain Significance.

All of Us Research Program, National Institutes of Health
Classification: Uncertain significance for Marfan syndrome. Last evaluated: 2023-12-13. Review status: criteria provided, single submitter. Criteria: ACMG Guidelines, 2015. Collection method: clinical testing. Allele origin: germline. Inheritance: Autosomal dominant inheritance. Observed: 1 variant allele, 1 heterozygote.
Comment: This missense variant replaces lysine with threonine at codon 2510 of the FBN1 protein. Computational prediction suggests that this variant may have deleterious impact on protein structure and function (internally defined REVEL score threshold >= 0.7, PMID: 27666373). To our knowledge, functional studies have not been reported for this variant. This variant has not been reported in individuals affected with FBN1-related disorders in the literature. This variant has not been identified in the general population by the Genome Aggregation Database (gnomAD). The available evidence is insufficient to determine the role of this variant in disease conclusively. Therefore, this variant is classified as a Variant of Uncertain Significance.

This study involves interpretation of variants in research participants for the purpose of population health screening. Participant phenotype was not available at the time of variant classification. Additional details can be found in publication PMID: 35346344, PMCID: PMC8962531